The following is an entry in ClinVar:

NM_017882.3(CLN6):c.329G>A (p.Arg110His)

Gene: CLN6 (CLN6 transmembrane ER protein; minus strand). Cytogenetic location: 15q23.
Variant type: single nucleotide variant.
Coding change: c.329G>A on transcript NM_017882.3 (MANE Select); coding-DNA position 329, G replaced by A.
Protein change: p.Arg110His; replaces arginine 110 with histidine.
Molecular consequence: missense variant.
Genome position (GRCh38, 1-based): chr15:68,211,832, C>T on the plus strand (G>A on the coding strand, the complement: CLN6 is on the minus strand). VCF-style: chr15-68211832-C-T. GRCh37 (hg19) VCF-style: chr15-68504170-C-T.
Other names: short protein forms R110H.
Identifiers: ClinVar variation 409272 (VCV000409272.6), dbSNP rs140179213, ClinGen allele CA16614556.

ClinVar aggregate classification (germline): Uncertain significance (1 of 4 stars; one submission).

Conditions:
Neuronal ceroid lipofuscinosis. Also called: Neuronal Ceroid Lipofuscinoses. Identifiers: Orphanet 216, Orphanet 79263, MedGen C0027877, MONDO:0016295. Disease mechanism: loss of function.

Allele frequency attached by ClinVar (database versions not stated): gnomAD 0.00003.
gnomAD v4.1: 5 of 1,613,656 alleles (0.00031%); highest among the groups gnomAD compares: African/African-American, 0.0027%; no homozygotes.

Submission:

Labcorp Genetics (formerly Invitae), Labcorp
Classification: Uncertain significance for Neuronal ceroid lipofuscinosis. Last evaluated: 2024-02-17. Review status: criteria provided, single submitter. Criteria: Invitae Variant Classification Sherloc (09022015). Collection method: clinical testing. Allele origin: germline.
Comment: This sequence change replaces arginine, which is basic and polar, with histidine, which is basic and polar, at codon 110 of the CLN6 protein (p.Arg110His). This variant is present in population databases (no rsID available, gnomAD 0.01%). This variant has not been reported in the literature in individuals affected with CLN6-related conditions. ClinVar contains an entry for this variant (Variation ID: 409272). Advanced modeling of protein sequence and biophysical properties (such as structural, functional, and spatial information, amino acid conservation, physicochemical variation, residue mobility, and thermodynamic stability) performed at Invitae indicates that this missense variant is not expected to disrupt CLN6 protein function with a negative predictive value of 80%. In summary, the available evidence is currently insufficient to determine the role of this variant in disease. Therefore, it has been classified as a Variant of Uncertain Significance.